The following is an entry in ClinVar:

ClinVar aggregate classification (germline): Pathogenic (1 of 4 stars; one submission).

Conditions:
Ehlers-Danlos syndrome due to tenascin-X deficiency (EDSCLL1). Also called: TNX DEFICIENCY; EDS DUE TO TNX DEFICIENCY; EHLERS-DANLOS SYNDROME, CLASSIC-LIKE; Ehlers-Danlos syndrome, classic-like, 1; TNXB-Related Classical-Like Ehlers-Danlos Syndrome. Identifiers: Orphanet 230839, MedGen C1848029, MONDO:0011670, OMIM 606408.

gnomAD v4.1: 12 of 1,536,006 alleles (0.00078%); highest among the groups gnomAD compares: Non-Finnish European, 0.0011%; no homozygotes.

Submission:

Women's Health and Genetics/Laboratory Corporation of America, LabCorp
Classification: Pathogenic for Ehlers-Danlos syndrome due to tenascin-X deficiency. Last evaluated: 2025-11-10. Review status: criteria provided, single submitter. Criteria: LabCorp Variant Classification Summary - May 2015. Collection method: clinical testing. Allele origin: germline.
Comment: Variant summary: TNXB c.18T>A (p.Tyr6X) results in a premature termination codon, predicted to cause a truncation of the encoded protein or absence of the protein due to nonsense mediated decay, which are commonly known mechanisms for disease. The frequency data for this variant in gnomAD is considered unreliable, as metrics indicate poor data quality at this position. To our knowledge, no occurrence of c.18T>A in individuals affected with TNXB-related conditions and no experimental evidence demonstrating its impact on protein function have been reported. No submitters have cited clinical-significance assessments for this variant to ClinVar. Based on the evidence outlined above, the variant was classified as pathogenic.

NM_001365276.2(TNXB):c.18T>A (p.Tyr6Ter)

Gene: TNXB (tenascin XB; minus strand). Cytogenetic location: 6p21.33.
Variant type: single nucleotide variant.
Coding change: c.18T>A on transcript NM_001365276.2 (MANE Select); coding-DNA position 18, T replaced by A.
Protein change: p.Tyr6Ter; replaces tyrosine 6 with a stop codon.
Molecular consequence: nonsense.
Genome position (GRCh38, 1-based): chr6:32,098,181, A>T on the plus strand (T>A on the coding strand, the complement: TNXB is on the minus strand). VCF-style: chr6-32098181-A-T. GRCh37 (hg19) VCF-style: chr6-32065958-A-T.
Other names: c.18T>A, p.Tyr6Ter (NM_001428335.1, NM_019105.8); short protein forms Y6*.
Identifiers: ClinVar variation 4536905 (VCV004536905.1).